The following is an entry in ClinVar:

ClinVar aggregate classification (germline): Uncertain significance (1 of 4 stars; one submission).

Conditions:
Microcephaly-intellectual disability-sensorineural hearing loss-epilepsy-abnormal muscle tone syndrome (NEDHSB). Also called: NEURODEVELOPMENTAL DISORDER WITH HEARING LOSS, SEIZURES, AND BRAIN ABNORMALITIES. Identifiers: Orphanet 457351, MedGen C4225276, MONDO:0014698, OMIM 616577.

gnomAD v4.1: 8 of 1,613,810 alleles (0.0005%); highest among the groups gnomAD compares: Non-Finnish European, 0.00068%; no homozygotes.

Submission:

Labcorp Genetics (formerly Invitae), Labcorp
Classification: Uncertain significance for Microcephaly-intellectual disability-sensorineural hearing loss-epilepsy-abnormal muscle tone syndrome. Last evaluated: 2025-10-20. Review status: criteria provided, single submitter. Criteria: Invitae Variant Classification Sherloc (09022015). Collection method: clinical testing. Allele origin: germline.
Comment: This sequence change replaces lysine, which is basic and polar, with asparagine, which is neutral and polar, at codon 693 of the SPATA5 protein (p.Lys693Asn). This variant also falls at the last nucleotide of exon 11, which is part of the consensus splice site for this exon. The frequency data for this variant in the population databases is considered unreliable, as metrics indicate poor data quality at this position in the gnomAD database. This variant has not been reported in the literature in individuals affected with SPATA5-related conditions. An algorithm developed to predict the effect of missense changes on protein structure and function (PolyPhen-2) suggests that this variant is likely to be disruptive. Variants that disrupt the consensus splice site are a relatively common cause of aberrant splicing (PMID: 17576681, 9536098). Algorithms developed to predict the effect of sequence changes on RNA splicing suggest that this variant may disrupt the consensus splice site. In summary, the available evidence is currently insufficient to determine the role of this variant in disease. Therefore, it has been classified as a Variant of Uncertain Significance.

Literature cited by the submitters: PubMed 17576681; PubMed 9536098.

NM_145207.3(AFG2A):c.2079G>T (p.Lys693Asn)

Gene: AFG2A (AAA ATPase AFG2A; plus strand). Cytogenetic location: 4q28.1.
Variant type: single nucleotide variant.
Coding change: c.2079G>T on transcript NM_145207.3 (MANE Select); coding-DNA position 2079, G replaced by T.
Protein change: p.Lys693Asn; replaces lysine 693 with asparagine.
Molecular consequence: missense variant.
Genome position (GRCh38, 1-based): chr4:123,028,395, G>T. VCF-style: chr4-123028395-G-T. GRCh37 (hg19) VCF-style: chr4-123949550-G-T.
Other names: c.2076G>T, p.Lys692Asn (NM_001317799.2, NM_001345856.2); c.2148G>T, p.Lys716Asn (NM_001437913.1); c.2151G>T, p.Lys717Asn (NM_001438322.1); short protein forms K716N, K717N, K692N, K693N.
Identifiers: ClinVar variation 4791887 (VCV004791887.1).